The following is an entry in ClinVar:

ClinVar aggregate classification (germline): Pathogenic (1 of 4 stars; one submission).

Conditions:
Purine-nucleoside phosphorylase deficiency. Also called: Immunodeficiency due to purine nucleoside phosphorylase deficiency; NUCLEOSIDE PHOSPHORYLASE DEFICIENCY. Identifiers: Orphanet 760, MedGen C0268125, MONDO:0013171, OMIM 613179.

Submission:

Labcorp Genetics (formerly Invitae), Labcorp
Classification: Pathogenic for Purine-nucleoside phosphorylase deficiency. Last evaluated: 2025-04-11. Review status: criteria provided, single submitter. Criteria: Invitae Variant Classification Sherloc (09022015). Collection method: clinical testing. Allele origin: germline.
Comment: This sequence change creates a premature translational stop signal (p.Leu175Glyfs*13) in the PNP gene. It is expected to result in an absent or disrupted protein product. Loss-of-function variants in PNP are known to be pathogenic (PMID: 24767876). This variant is not present in population databases (gnomAD no frequency). This variant has not been reported in the literature in individuals affected with PNP-related conditions. For these reasons, this variant has been classified as Pathogenic.

Literature cited by the submitters: PubMed 24767876.

NM_000270.4(PNP):c.519_522dup (p.Leu175fs)

Gene: PNP (purine nucleoside phosphorylase; plus strand). Cytogenetic location: 14q11.2.
Variant type: Duplication.
Coding change: c.519_522dup on transcript NM_000270.4 (MANE Select); coding-DNA positions 519 to 522, 4 bases duplicated (GGCT; older notation c.519_522dupGGCT).
Protein change: p.Leu175fs; shifts the reading frame from leucine 175.
Molecular consequence: frameshift variant.
Genome position (GRCh38, 1-based): chr14:20,475,119-20,475,122, GGCT duplicated. VCF-style (leftmost placement, unchanged base first): chr14-20475118-G-GGGCT. GRCh37 (hg19) VCF-style: chr14-20943277-G-GGGCT.
Other names: short protein forms L175fs.
Identifiers: ClinVar variation 4717066 (VCV004717066.1).